The following is an entry in ClinVar:

ClinVar aggregate classification (germline): Conflicting classifications of pathogenicity. Review status: criteria provided, conflicting classifications (1 of 4 stars). 2 submissions from 2 submitters: Uncertain significance (1); Likely benign (1). Last evaluated 2025-12-21.

Conditions:
Hypertrophic cardiomyopathy. Also called: HYPERTROPHIC MYOCARDIOPATHY. Identifiers: Orphanet 217569, MedGen C0007194, MeSH D002312, MONDO:0005045, HP:0001639.

Allele frequency attached by ClinVar (database versions not stated): TOPMed below 0.00001; gnomAD exomes below 0.00001.
gnomAD v4.1: 1 of 1,594,888 alleles (0.000063%); highest among the groups gnomAD compares: African/African-American, 0.0013%; no homozygotes.

Submissions (2):

Labcorp Genetics (formerly Invitae), Labcorp
Classification: Uncertain significance for Hypertrophic cardiomyopathy. Last evaluated: 2025-12-21. Review status: criteria provided, single submitter. Criteria: Invitae Variant Classification Sherloc (09022015). Collection method: clinical testing. Allele origin: germline.
Comment: This sequence change affects codon 293 of the MYBPC3 mRNA. It is a 'silent' change, meaning that it does not change the encoded amino acid sequence of the MYBPC3 protein. This variant is not present in population databases (gnomAD no frequency). This variant has not been reported in the literature in individuals affected with MYBPC3-related conditions. ClinVar contains an entry for this variant (Variation ID: 2884374). Algorithms developed to predict the effect of sequence changes on RNA splicing suggest that this variant may disrupt the consensus splice site. In summary, the available evidence is currently insufficient to determine the role of this variant in disease. Therefore, it has been classified as a Variant of Uncertain Significance.

All of Us Research Program, National Institutes of Health
Classification: Likely benign for Hypertrophic cardiomyopathy. Last evaluated: 2024-03-24. Review status: criteria provided, single submitter. Criteria: ACMG Guidelines, 2015. Collection method: clinical testing. Allele origin: germline. Inheritance: Autosomal dominant inheritance. Observed: 1 variant allele, 1 heterozygote.
Comment: This study involves interpretation of variants in research participants for the purpose of population health screening. Participant phenotype was not available at the time of variant classification. Additional details can be found in publication PMID: 35346344, PMCID: PMC8962531

NM_000256.3(MYBPC3):c.879G>A (p.Leu293=)

Gene: MYBPC3 (myosin binding protein C3; minus strand). Cytogenetic location: 11p11.2.
Variant type: single nucleotide variant.
Coding change: c.879G>A on transcript NM_000256.3 (MANE Select); coding-DNA position 879, G replaced by A.
Protein change: p.Leu293=; no amino-acid change (leucine 293 retained).
Molecular consequence: synonymous variant.
Genome position (GRCh38, 1-based): chr11:47,347,452, C>T on the plus strand (G>A on the coding strand, the complement: MYBPC3 is on the minus strand). VCF-style: chr11-47347452-C-T. GRCh37 (hg19) VCF-style: chr11-47369003-C-T.
Identifiers: ClinVar variation 2884374 (VCV002884374.4), dbSNP rs2095895403, ClinGen allele CA474221221.